The following is an entry in ClinVar:

NM_006031.6(PCNT):c.7528C>T (p.Arg2510Cys)

Gene: PCNT (pericentrin; plus strand). Cytogenetic location: 21q22.3.
Variant type: single nucleotide variant.
Coding change: c.7528C>T on transcript NM_006031.6 (MANE Select); coding-DNA position 7528, C replaced by T.
Protein change: p.Arg2510Cys; replaces arginine 2510 with cysteine.
Molecular consequence: missense variant.
Genome position (GRCh38, 1-based): chr21:46,428,428, C>T. VCF-style: chr21-46428428-C-T. GRCh37 (hg19) VCF-style: chr21-47848342-C-T.
Other names: c.7174C>T, p.Arg2392Cys (NM_001315529.2); short protein forms R2392C, R2510C.
Identifiers: ClinVar variation 1378498 (VCV001378498.5), dbSNP rs146486696, ClinGen allele CA10080698.

ClinVar aggregate classification (germline): Uncertain significance (1 of 4 stars; one submission).

Allele frequency attached by ClinVar (database versions not stated): gnomAD 0.00001 and 0.00003; gnomAD exomes 0.00001; ExAC 0.00002; ESP Exome Variant Server 0.00008; 1000 Genomes Project 30x 0.00031; 1000 Genomes Project 0.00040.
gnomAD v4.1: 16 of 1,612,544 alleles (0.00099%); highest among the groups gnomAD compares: African/African-American, 0.0067%; no homozygotes.

Submission:

Labcorp Genetics (formerly Invitae), Labcorp
Classification: Uncertain significance. Last evaluated: 2023-09-21. Review status: criteria provided, single submitter. Criteria: Invitae Variant Classification Sherloc (09022015). Collection method: clinical testing. Allele origin: germline.
Comment: In summary, the available evidence is currently insufficient to determine the role of this variant in disease. Therefore, it has been classified as a Variant of Uncertain Significance. Algorithms developed to predict the effect of missense changes on protein structure and function output the following: SIFT: "Not Available"; PolyPhen-2: "Benign"; Align-GVGD: "Not Available". The cysteine amino acid residue is found in multiple mammalian species, which suggests that this missense change does not adversely affect protein function. ClinVar contains an entry for this variant (Variation ID: 1378498). This variant has not been reported in the literature in individuals affected with PCNT-related conditions. This variant is present in population databases (rs146486696, gnomAD 0.01%). This sequence change replaces arginine, which is basic and polar, with cysteine, which is neutral and slightly polar, at codon 2510 of the PCNT protein (p.Arg2510Cys).